The following is an entry in ClinVar:

NM_006005.3(WFS1):c.773T>C (p.Val258Ala)

Gene: WFS1 (wolframin ER transmembrane glycoprotein; plus strand). Cytogenetic location: 4p16.1.
Variant type: single nucleotide variant.
Coding change: c.773T>C on transcript NM_006005.3 (MANE Select); coding-DNA position 773, T replaced by C.
Protein change: p.Val258Ala; replaces valine 258 with alanine.
Molecular consequence: missense variant.
Genome position (GRCh38, 1-based): chr4:6,295,101, T>C. VCF-style: chr4-6295101-T-C. GRCh37 (hg19) VCF-style: chr4-6296828-T-C.
Other names: c.773T>C, p.Val258Ala (NM_001145853.1); short protein forms V258A.
Identifiers: ClinVar variation 1981666 (VCV001981666.4), dbSNP rs781407814, ClinGen allele CA2839048.

ClinVar aggregate classification (germline): Uncertain significance (1 of 4 stars; one submission).

Allele frequency attached by ClinVar (database versions not stated): gnomAD exomes below 0.00001; ExAC 0.00001; gnomAD 0.00003; TOPMed 0.00004.
gnomAD v4.1: 6 of 1,613,356 alleles (0.00037%); highest among the groups gnomAD compares: African/African-American, 0.0067%; no homozygotes.

Submission:

Labcorp Genetics (formerly Invitae), Labcorp
Classification: Uncertain significance. Last evaluated: 2023-08-04. Review status: criteria provided, single submitter. Criteria: Invitae Variant Classification Sherloc (09022015). Collection method: clinical testing. Allele origin: germline.
Comment: In summary, the available evidence is currently insufficient to determine the role of this variant in disease. Therefore, it has been classified as a Variant of Uncertain Significance. This sequence change replaces valine, which is neutral and non-polar, with alanine, which is neutral and non-polar, at codon 258 of the WFS1 protein (p.Val258Ala). This variant is present in population databases (rs781407814, gnomAD 0.007%). This variant has not been reported in the literature in individuals affected with WFS1-related conditions. ClinVar contains an entry for this variant (Variation ID: 1981666). Advanced modeling of protein sequence and biophysical properties (such as structural, functional, and spatial information, amino acid conservation, physicochemical variation, residue mobility, and thermodynamic stability) performed at Invitae indicates that this missense variant is not expected to disrupt WFS1 protein function.